The following is an entry in ClinVar:

NM_000245.4(MET):c.789G>T (p.Thr263=)

Gene: MET (MET proto-oncogene, receptor tyrosine kinase; plus strand). Cytogenetic location: 7q31.2.
Variant type: single nucleotide variant.
Coding change: c.789G>T on transcript NM_000245.4 (MANE Select); coding-DNA position 789, G replaced by T.
Protein change: p.Thr263=; no amino-acid change (threonine 263 retained).
Molecular consequence: synonymous variant. On other transcripts: intron variant (1).
Genome position (GRCh38, 1-based): chr7:116,699,873, G>T. VCF-style: chr7-116699873-G-T. GRCh37 (hg19) VCF-style: chr7-116339927-G-T.
Other names: c.789G>T, p.Thr263= (NM_001127500.3, NM_001324401.3); c.-91+27296G>T (NM_001324402.2).
Identifiers: ClinVar variation 746982 (VCV000746982.12), dbSNP rs554190225, ClinGen allele CA457447914.

ClinVar aggregate classification (germline): Benign/Likely benign. Review status: criteria provided, multiple submitters, no conflicts (2 of 4 stars). 3 submissions from 3 submitters: Benign (1); Likely benign (2). Last evaluated 2025-12-30.

Conditions:
Renal cell carcinoma. Identifiers: Orphanet 217071, MedGen C0007134, MeSH D002292, MONDO:0005086, HP:0005584.
Hereditary cancer-predisposing syndrome. Also called: Tumor predisposition; Hereditary neoplastic syndrome; Neoplastic Syndromes, Hereditary; Hereditary Cancer Syndrome. Identifiers: Orphanet 140162, MedGen C0027672, MeSH D009386, MONDO:0015356.
Papillary renal cell carcinoma type 1 (RCCP1). Also called: RENAL CELL CARCINOMA, PAPILLARY, 1, SOMATIC; Renal adenocarcinoma; Renal cell carcinoma 1; Renal cell carcinoma, somatic. Identifiers: Orphanet 47044, MedGen C1336839, OMIM 605074, HP:0011797.

gnomAD v4.1: 1 of 1,613,976 alleles (0.000062%); highest among the groups gnomAD compares: Non-Finnish European, 0.000085%; no homozygotes.

Submissions (3):

Labcorp Genetics (formerly Invitae), Labcorp
Classification: Likely benign for Renal cell carcinoma. Last evaluated: 2025-12-30. Review status: criteria provided, single submitter. Criteria: Invitae Variant Classification Sherloc (09022015). Collection method: clinical testing. Allele origin: germline.

Myriad Genetics, Inc.
Classification: Benign for Papillary renal cell carcinoma type 1. Last evaluated: 2024-11-06. Review status: criteria provided, single submitter. Criteria: Myriad Autosomal Dominant, Autosomal Recessive and X-Linked Classification Criteria (2023). Collection method: clinical testing. Allele origin: unknown.
Comment: This variant is considered benign. This variant is a silent/synonymous amino acid change and it is not expected to impact splicing.

Ambry Genetics
Classification: Likely benign for Hereditary cancer-predisposing syndrome. Last evaluated: 2020-06-18. Review status: criteria provided, single submitter. Criteria: Ambry Variant Classification Scheme 2023. Collection method: clinical testing. Allele origin: germline.